The following is an entry in ClinVar:

ClinVar aggregate classification (germline): Likely benign. Review status: criteria provided, single submitter (1 of 4 stars). 2 submissions from 2 submitters: Likely benign (1). 1 of the submissions does not count toward it. Last evaluated 2024-10-01.

Conditions:
FRMD4A-related disorder. Also called: FRMD4A-related condition.

Submissions (2):

Blueprint Genetics
Classification: Likely benign. Last evaluated: 2024-10-01. Review status: criteria provided, single submitter. Criteria: ACMG Guidelines, 2015. Collection method: clinical testing. Allele origin: germline.

PreventionGenetics, part of Exact Sciences
Classification: Likely benign for FRMD4A-related condition. Last evaluated: 2020-04-24. Review status: no assertion criteria provided. Collection method: clinical testing. Allele origin: germline. Not counted in ClinVar's aggregate classification.
Comment: This variant is classified as likely benign based on ACMG/AMP sequence variant interpretation guidelines (Richards et al. 2015 PMID: 25741868, with internal and published modifications).

NM_018027.5(FRMD4A):c.442-10dup

Gene: FRMD4A (FERM domain containing 4A; minus strand). Cytogenetic location: 10p13.
Variant type: Duplication.
Coding change: c.442-10dup on transcript NM_018027.5 (MANE Select); 10 bases into the intron before coding-DNA position 442, one base duplicated (T; older notation c.442-10dupT).
Molecular consequence: intron variant.
Genome position (GRCh38, 1-based): chr10:13,761,679, A duplicated on the plus strand (T on the coding strand, the reverse complement: FRMD4A is on the minus strand); the first of 6 consecutive A bases (chr10:13,761,679-13,761,684); duplicating any one gives the same sequence. VCF-style (leftmost placement, unchanged base first): chr10-13761678-G-GA. GRCh37 (hg19) VCF-style: chr10-13803678-G-GA.
Other names: c.490-10dup (NM_001318336.2); c.541-10dup (NM_001318337.2).
Identifiers: ClinVar variation 3051971 (VCV003051971.3), dbSNP rs759740276, ClinGen allele CA5414747.